The following is an entry in ClinVar:

ClinVar aggregate classification (germline): Pathogenic/Likely pathogenic. Review status: criteria provided, multiple submitters, no conflicts (2 of 4 stars). 2 submissions from 2 submitters: Pathogenic (1); Likely pathogenic (1). Last evaluated 2021-04-20.

Conditions:
Neuromuscular disease caused by qualitative or quantitative defects of dysferlin. Also called: Qualitative or quantitative defects of dysferlin; Dysferlinopathy. Identifiers: Orphanet 207073, MedGen C2931687, MONDO:0016145.

Submissions (2):

Labcorp Genetics (formerly Invitae), Labcorp
Classification: Pathogenic for Neuromuscular disease caused by qualitative or quantitative defects of dysferlin. Last evaluated: 2021-04-20. Review status: criteria provided, single submitter. Criteria: Invitae Variant Classification Sherloc (09022015). Collection method: clinical testing. Allele origin: germline.
Comment: This sequence change affects an acceptor splice site in intron 48 of the DYSF gene. It is expected to disrupt RNA splicing. Variants that disrupt the donor or acceptor splice site typically lead to a loss of protein function (PMID: 16199547), and loss-of-function variants in DYSF are known to be pathogenic (PMID: 17698709, 20301480). This variant is not present in population databases (ExAC no frequency). For these reasons, this variant has been classified as Pathogenic. Disruption of this splice site has been observed in individual(s) with Miyoshi myopathy (PMID: 19528035). ClinVar contains an entry for this variant (Variation ID: 804770). Algorithms developed to predict the effect of sequence changes on RNA splicing suggest that this variant may disrupt the consensus splice site, but this prediction has not been confirmed by published transcriptional studies.

Athena Diagnostics
Classification: Likely pathogenic. Last evaluated: 2019-06-28. Review status: criteria provided, single submitter. Criteria: Athena Diagnostics Criteria. Collection method: clinical testing. Allele origin: germline.
Comment: The variant disrupts a canonical splice site, and is therefore predicted to result in the loss of a functional protein. Found in at least one symptomatic patient, and not found in general population data.

Literature cited by the submitters: PubMed 16199547 (cited by Labcorp Genetics (formerly Invitae), Labcorp); PubMed 17698709 (cited by Labcorp Genetics (formerly Invitae), Labcorp); PubMed 20301480 (cited by Labcorp Genetics (formerly Invitae), Labcorp); PubMed 19528035 (cited by Labcorp Genetics (formerly Invitae), Labcorp).

NM_001130987.2(DYSF):c.5547-1G>C

Gene: DYSF (dysferlin; plus strand). Cytogenetic location: 2p13.2.
Variant type: single nucleotide variant.
Coding change: c.5547-1G>C on transcript NM_001130987.2 (MANE Select); the canonical splice acceptor site of the intron before coding-DNA position 5547, G replaced by C.
Molecular consequence: splice acceptor variant.
Genome position (GRCh38, 1-based): chr2:71,669,111, G>C. VCF-style: chr2-71669111-G-C. GRCh37 (hg19) VCF-style: chr2-71896241-G-C.
Other names: c.5484-1G>C (NM_001130985.2); c.5496-1G>C (NM_001130983.2); c.5433-1G>C (NM_001130455.2); c.5454-1G>C (NM_001130984.2); c.5391-1G>C (NM_001130986.2); c.5481-1G>C (NM_001130980.2); c.5493-1G>C (NM_001130978.2); c.5430-1G>C (NM_003494.4); and 5 more.
Identifiers: ClinVar variation 804770 (VCV000804770.9), dbSNP rs1573094617, ClinGen allele CA347222051.